The following is an entry in ClinVar:

ClinVar aggregate classification (germline): Uncertain significance (1 of 4 stars; one submission).

Conditions:
Atrioventricular septal defect 4 (AVSD4). Identifiers: MedGen C3280781, MONDO:0013747, OMIM 614430.

gnomAD v4.1: 3 of 1,268,048 alleles (0.00024%); highest among the groups gnomAD compares: Non-Finnish European, 0.0003%; no homozygotes.

Submission:

Labcorp Genetics (formerly Invitae), Labcorp
Classification: Uncertain significance for Atrioventricular septal defect 4. Last evaluated: 2024-05-09. Review status: criteria provided, single submitter. Criteria: Invitae Variant Classification Sherloc (09022015). Collection method: clinical testing. Allele origin: germline.
Comment: This sequence change replaces glycine, which is neutral and non-polar, with serine, which is neutral and polar, at codon 136 of the GATA4 protein (p.Gly136Ser). This variant is not present in population databases (gnomAD no frequency). This variant has not been reported in the literature in individuals affected with GATA4-related conditions. Advanced modeling of protein sequence and biophysical properties (such as structural, functional, and spatial information, amino acid conservation, physicochemical variation, residue mobility, and thermodynamic stability) performed at Invitae indicates that this missense variant is not expected to disrupt GATA4 protein function with a negative predictive value of 80%. In summary, the available evidence is currently insufficient to determine the role of this variant in disease. Therefore, it has been classified as a Variant of Uncertain Significance.

NM_001308093.3(GATA4):c.406G>A (p.Gly136Ser)

Gene: GATA4 (GATA binding protein 4). Cytogenetic location: 8p23.1.
Variant type: single nucleotide variant.
Coding change: c.406G>A on transcript NM_001308093.3 (MANE Select); coding-DNA position 406, G replaced by A.
Protein change: p.Gly136Ser; replaces glycine 136 with serine.
Molecular consequence: missense variant. On other transcripts: intron variant (3).
Genome position (GRCh38, 1-based): chr8:11,708,718, G>A. VCF-style: chr8-11708718-G-A. GRCh37 (hg19) VCF-style: chr8-11566227-G-A.
Other names: c.406G>A, p.Gly136Ser (NM_002052.5); c.-6+7940G>A (NM_001308094.2); c.-3+704G>A (NM_001374274.1); c.-3+4414G>A (NM_001374273.1); short protein forms G136S.
Identifiers: ClinVar variation 3716630 (VCV003716630.2).